The following is an entry in ClinVar:

NM_024809.5(TCTN2):c.2049G>T (p.Leu683Phe)

Gene: TCTN2 (tectonic family member 2; plus strand). Cytogenetic location: 12q24.31.
Variant type: single nucleotide variant.
Coding change: c.2049G>T on transcript NM_024809.5 (MANE Select); coding-DNA position 2049, G replaced by T.
Protein change: p.Leu683Phe; replaces leucine 683 with phenylalanine.
Molecular consequence: missense variant.
Genome position (GRCh38, 1-based): chr12:123,707,668, G>T. VCF-style: chr12-123707668-G-T. GRCh37 (hg19) VCF-style: chr12-124192215-G-T.
Other names: c.2046G>T, p.Leu682Phe (NM_001143850.3); short protein forms L683F, L682F.
Identifiers: ClinVar variation 1418625 (VCV001418625.5), dbSNP rs975324103, ClinGen allele CA387149717.

ClinVar aggregate classification (germline): Uncertain significance (1 of 4 stars; one submission).

Conditions:
Joubert syndrome. Also called: CEREBELLOPARENCHYMAL DISORDER IV; JOUBERT-BOLTSHAUSER SYNDROME; Familial aplasia of the vermis. Identifiers: Orphanet 475, MedGen C5979921, MONDO:0018772.
Meckel-Gruber syndrome. Also called: DYSENCEPHALIA SPLANCHNOCYSTICA; GRUBER SYNDROME; Dysencephalia splachnocystica. Identifiers: Orphanet 564, MedGen C0265215, MONDO:0018921.

Allele frequency attached by ClinVar (database versions not stated): gnomAD exomes below 0.00001.
gnomAD v4.1: 1 of 1,614,198 alleles (0.000062%); highest among the groups gnomAD compares: Non-Finnish European, 0.000085%; no homozygotes.

Submission:

Labcorp Genetics (formerly Invitae), Labcorp
Classification: Uncertain significance for Joubert syndrome; Meckel-Gruber syndrome. Last evaluated: 2021-09-24. Review status: criteria provided, single submitter. Criteria: Invitae Variant Classification Sherloc (09022015). Collection method: clinical testing. Allele origin: germline.
Comment: This sequence change replaces leucine with phenylalanine at codon 683 of the TCTN2 protein (p.Leu683Phe). The leucine residue is weakly conserved and there is a small physicochemical difference between leucine and phenylalanine. This variant is not present in population databases (ExAC no frequency). This variant has not been reported in the literature in individuals with TCTN2-related conditions. Algorithms developed to predict the effect of missense changes on protein structure and function (SIFT, PolyPhen-2, Align-GVGD) all suggest that this variant is likely to be tolerated, but these predictions have not been confirmed by published functional studies and their clinical significance is uncertain. In summary, the available evidence is currently insufficient to determine the role of this variant in disease. Therefore, it has been classified as a Variant of Uncertain Significance.